The following is an entry in ClinVar:

ClinVar aggregate classification (germline): Pathogenic (1 of 4 stars; one submission).

Submission:

Labcorp Genetics (formerly Invitae), Labcorp
Classification: Pathogenic. Last evaluated: 2024-10-21. Review status: criteria provided, single submitter. Criteria: Invitae Variant Classification Sherloc (09022015). Collection method: clinical testing. Allele origin: germline.
Comment: This sequence change creates a premature translational stop signal (p.Val418*) in the NEXMIF gene. It is expected to result in an absent or disrupted protein product. Loss-of-function variants in NEXMIF are known to be pathogenic (PMID: 23615299). This variant is not present in population databases (gnomAD no frequency). This variant has not been reported in the literature in individuals affected with NEXMIF-related conditions. For these reasons, this variant has been classified as Pathogenic.

Literature cited by the submitters: PubMed 23615299.

NM_001008537.3(NEXMIF):c.1251del (p.Glu417_Val418insTer)

Gene: NEXMIF (neurite extension and migration factor; minus strand). Cytogenetic location: Xq13.3.
Variant type: Deletion.
Coding change: c.1251del on transcript NM_001008537.3 (MANE Select); coding-DNA position 1251, one base deleted (A; older notation c.1251delA).
Protein change: p.Glu417_Val418insTer.
Molecular consequence: frameshift variant.
Genome position (GRCh38, 1-based): chrX:74,743,306, T deleted on the plus strand (A on the coding strand, the reverse complement: NEXMIF is on the minus strand); the first of 2 consecutive T bases (chrX:74,743,306-74,743,307); deleting either gives the same sequence. VCF-style (leftmost placement, unchanged base first): chrX-74743305-CT-C. GRCh37 (hg19) VCF-style: chrX-73963140-CT-C.
Identifiers: ClinVar variation 3723359 (VCV003723359.2).